The following is an entry in ClinVar:

NM_014727.3(KMT2B):c.6782C>A (p.Thr2261Lys)

Gene: KMT2B (lysine methyltransferase 2B; plus strand). Cytogenetic location: 19q13.12.
Variant type: single nucleotide variant.
Coding change: c.6782C>A on transcript NM_014727.3 (MANE Select); coding-DNA position 6782, C replaced by A.
Protein change: p.Thr2261Lys; replaces threonine 2261 with lysine.
Molecular consequence: missense variant.
Genome position (GRCh38, 1-based): chr19:35,733,331, C>A. VCF-style: chr19-35733331-C-A. GRCh37 (hg19) VCF-style: chr19-36224232-C-A.
Other names: c.6782C>A (NM_014727.2, NM_014727.1); short protein forms T2261K.
Identifiers: ClinVar variation 1711481 (VCV001711481.37), dbSNP rs755598760, ClinGen allele CA9385759.

ClinVar aggregate classification (germline): Likely benign. Review status: criteria provided, multiple submitters, no conflicts (2 of 4 stars). 4 submissions from 4 submitters: Likely benign (4). Last evaluated 2026-02-01.

Conditions:
Inborn genetic diseases. Identifiers: MedGen C0950123, MeSH D030342.
KMT2B-related disorder. Also called: KMT2B-related condition; KMT2B-related disorders. Identifiers: MedGen CN381338.

Allele frequency attached by ClinVar (database versions not stated): 1000 Genomes Project 30x 0.00047.
gnomAD v4.1: 1,104 of 1,464,666 alleles (0.075%); highest among the groups gnomAD compares: Non-Finnish European, 0.097%; 1 homozygote.

Submissions (4):

CeGaT Center for Human Genetics Tuebingen
Classification: Likely benign. Last evaluated: 2026-02-01. Review status: criteria provided, single submitter. Criteria: CeGaT Center For Human Genetics Tuebingen Variant Classification Criteria Version 2. Collection method: clinical testing. Allele origin: germline. Affected: yes. Observed: 3 variant alleles.
Comment: KMT2B: BS2

Labcorp Genetics (formerly Invitae), Labcorp
Classification: Likely benign. Last evaluated: 2026-01-14. Review status: criteria provided, single submitter. Criteria: Invitae Variant Classification Sherloc (09022015). Collection method: clinical testing. Allele origin: germline.

PreventionGenetics, part of Exact Sciences
Classification: Likely benign for KMT2B-related condition. Last evaluated: 2025-07-15. Review status: criteria provided, single submitter. Criteria: ACMG Guidelines, 2015. Collection method: clinical testing. Allele origin: germline.
Comment: This variant is classified as likely benign based on ACMG/AMP sequence variant interpretation guidelines (Richards et al. 2015 PMID: 25741868, with internal and published modifications).

Ambry Genetics
Classification: Likely benign for Inborn genetic diseases. Last evaluated: 2021-12-06. Review status: criteria provided, single submitter. Criteria: Ambry Variant Classification Scheme 2023. Collection method: clinical testing. Allele origin: germline.